The following is an entry in ClinVar:

NM_014727.3(KMT2B):c.4572C>T (p.Asn1524=)

Gene: KMT2B (lysine methyltransferase 2B; plus strand). Cytogenetic location: 19q13.12.
Variant type: single nucleotide variant.
Coding change: c.4572C>T on transcript NM_014727.3 (MANE Select); coding-DNA position 4572, C replaced by T.
Protein change: p.Asn1524=; no amino-acid change (asparagine 1524 retained).
Molecular consequence: synonymous variant.
Genome position (GRCh38, 1-based): chr19:35,728,774, C>T. VCF-style: chr19-35728774-C-T. GRCh37 (hg19) VCF-style: chr19-36219675-C-T.
Identifiers: ClinVar variation 3115990 (VCV003115990.2), dbSNP rs372049345, ClinGen allele CA9385158.
Genomic context (GRCh38, chr19:35,728,774, plus strand): 5'-TGGGCCCCCGTTCAGCTGCCCTTGTTGGGCACATCAGCTGCTAACCCTGCCTGTCCACAG[C>T]GGAGTCCTTCCCAATGCGGTGTTGCCCCCATCCCTGGATCATGTCTATGCGCAGTGGAGA-3'
Protein context (NP_055542.1, residues 1514-1534): KYWRRSTRLP[Asn1524=]GVLPNAVLPP

ClinVar aggregate classification (germline): Conflicting classifications of pathogenicity. Review status: criteria provided, conflicting classifications (1 of 4 stars). 2 submissions from 2 submitters: Uncertain significance (1); Likely benign (1). Last evaluated 2025-07-30.

Conditions:
Inborn genetic diseases. Identifiers: MedGen C0950123, MeSH D030342.

Allele frequency attached by ClinVar (database versions not stated): gnomAD 0.00003; TOPMed 0.00003; ExAC 0.00004; gnomAD exomes 0.00004; ESP Exome Variant Server 0.00008.
gnomAD v4.1: 55 of 1,613,010 alleles (0.0034%); highest among the groups gnomAD compares: South Asian, 0.02%; no homozygotes.

Submissions (2):

Labcorp Genetics (formerly Invitae), Labcorp
Classification: Uncertain significance. Last evaluated: 2025-07-30. Review status: criteria provided, single submitter. Criteria: Invitae Variant Classification Sherloc (09022015). Collection method: clinical testing. Allele origin: germline.
Comment: This sequence change affects codon 1524 of the KMT2B mRNA. It is a 'silent' change, meaning that it does not change the encoded amino acid sequence of the KMT2B protein. It affects a nucleotide within the consensus splice site. This variant is present in population databases (rs372049345, gnomAD 0.02%). This variant has not been reported in the literature in individuals affected with KMT2B-related conditions. ClinVar contains an entry for this variant (Variation ID: 3115990). Algorithms developed to predict the effect of sequence changes on RNA splicing suggest that this variant is not likely to affect RNA splicing. In summary, the available evidence is currently insufficient to determine the role of this variant in disease. Therefore, it has been classified as a Variant of Uncertain Significance.

Ambry Genetics
Classification: Likely benign for Inborn genetic diseases. Last evaluated: 2023-12-19. Review status: criteria provided, single submitter. Criteria: Ambry Variant Classification Scheme 2023. Collection method: clinical testing. Allele origin: germline.